The following is an entry in ClinVar:

NM_006846.4(SPINK5):c.2740-1G>C

Gene: SPINK5 (serine peptidase inhibitor Kazal type 5; plus strand). Cytogenetic location: 5q32.
Variant type: single nucleotide variant.
Coding change: c.2740-1G>C on transcript NM_006846.4 (MANE Select); the canonical splice acceptor site of the intron before coding-DNA position 2740, G replaced by C.
Molecular consequence: splice acceptor variant.
Genome position (GRCh38, 1-based): chr5:148,125,722, G>C. VCF-style: chr5-148125722-G-C. GRCh37 (hg19) VCF-style: chr5-147505285-G-C.
Other names: c.2830-1G>C (NM_001127698.2).
Identifiers: ClinVar variation 372908 (VCV000372908.7), dbSNP rs1057518067, ClinGen allele CA16042508.

ClinVar aggregate classification (germline): Likely pathogenic. Review status: criteria provided, multiple submitters, no conflicts (2 of 4 stars). 2 submissions from 2 submitters: Likely pathogenic (2). Last evaluated 2026-01-24.

Conditions:
Ichthyosis linearis circumflexa. Identifiers: MedGen C0265962, MONDO:0043106, HP:0025810.

Allele frequency attached by ClinVar (database versions not stated): gnomAD 0.00001; gnomAD exomes 0.00001; TOPMed 0.00001.
gnomAD v4.1: 11 of 1,614,032 alleles (0.00068%); highest among the groups gnomAD compares: African/African-American, 0.0013%; no homozygotes.

Submissions (2):

Labcorp Genetics (formerly Invitae), Labcorp
Classification: Likely pathogenic for Ichthyosis linearis circumflexa. Last evaluated: 2026-01-24. Review status: criteria provided, single submitter. Criteria: Invitae Variant Classification Sherloc (09022015). Collection method: clinical testing. Allele origin: germline.
Comment: This sequence change affects an acceptor splice site in intron 28 of the SPINK5 gene. It is expected to disrupt RNA splicing. Variants that disrupt the donor or acceptor splice site typically lead to a loss of protein function (PMID: 16199547), and loss-of-function variants in SPINK5 are known to be pathogenic (PMID: 11511292, 11841556). This variant is not present in population databases (gnomAD no frequency). This variant has not been reported in the literature in individuals affected with SPINK5-related conditions. ClinVar contains an entry for this variant (Variation ID: 372908). Algorithms developed to predict the effect of sequence changes on RNA splicing suggest that this variant may disrupt the consensus splice site. In summary, the currently available evidence indicates that the variant is pathogenic, but additional data are needed to prove that conclusively. Therefore, this variant has been classified as Likely Pathogenic.

GeneDx
Classification: Likely pathogenic. Last evaluated: 2016-02-08. Review status: criteria provided, single submitter. Criteria: GeneDx Variant Classification (06012015). Collection method: clinical testing. Allele origin: germline. Affected: yes.
Comment: The c.2740-1 G>C variant has not been published as a pathogenic variant, nor has it been reported as a benign variant to our knowledge. The c.2740-1 G>C splice site variant in the SPINK5 gene destroys the canonical splice acceptor site in intron 28. It is predicted to cause abnormal gene splicing, either leading to an abnormal message that is subject to nonsense-mediated mRNA decay, or to an abnormal protein product if the message is used for protein translation. The variant was not observed in approximately 6,000 individuals of European and African American ancestry in the NHLBI Exome Sequencing Project, indicating it is not a common benign variant in these populations. Therefore, this variant is likely pathogenic, however the possibility it may be a rare benign variant cannot be excluded.

Literature cited by the submitters: PubMed 16199547 (cited by Labcorp Genetics (formerly Invitae), Labcorp); PubMed 11511292 (cited by Labcorp Genetics (formerly Invitae), Labcorp); PubMed 11841556 (cited by Labcorp Genetics (formerly Invitae), Labcorp).